The following is an entry in ClinVar:

ClinVar aggregate classification (germline): Conflicting classifications of pathogenicity. Review status: criteria provided, conflicting classifications (1 of 4 stars). 6 submissions from 6 submitters: Uncertain significance (5); Likely benign (1). Last evaluated 2026-04-22.

Conditions:
Myofibrillar myopathy 5. Also called: FILAMINOPATHY, AUTOSOMAL DOMINANT; Filaminopathy (type). Identifiers: Orphanet 171445, MedGen C1836050, MONDO:0012289, OMIM 609524.
Hypertrophic cardiomyopathy 26. Also called: Cardiomyopathy, familial hypertrophic, 26. Identifiers: Orphanet 75249, MedGen C4310749, MONDO:0014883, OMIM 617047.
Distal myopathy with posterior leg and anterior hand involvement. Also called: WILLIAMS DISTAL MYOPATHY. Identifiers: Orphanet 63273, MedGen C3279722, MONDO:0013550, OMIM 614065.
FLNC-related disorder. Also called: FLNC-related disorders; FLNC-related condition.
Cardiovascular phenotype. Identifiers: MedGen CN230736.

Allele frequency attached by ClinVar (database versions not stated): gnomAD 0.00001; TOPMed 0.00001; ExAC 0.00002; gnomAD exomes 0.00002; ESP Exome Variant Server 0.00016.
gnomAD v4.1: 24 of 1,613,966 alleles (0.0015%); highest among the groups gnomAD compares: Non-Finnish European, 0.0018%; no homozygotes.

Submissions (6):

PreventionGenetics, part of Exact Sciences
Classification: Uncertain significance for FLNC-related condition. Last evaluated: 2026-04-22. Review status: criteria provided, single submitter. Criteria: ACMG Guidelines, 2015. Collection method: clinical testing. Allele origin: germline.
Comment: The FLNC c.4303G>A variant is predicted to result in the amino acid substitution p.Val1435Met. To our knowledge, this variant has not been reported in the literature. This variant is reported in 0.0065% of alleles in individuals of African descent in gnomAD. At this time, the clinical significance of this variant is uncertain due to the absence of conclusive functional and genetic evidence.

Labcorp Genetics (formerly Invitae), Labcorp
Classification: Likely benign for Distal myopathy with posterior leg and anterior hand involvement; Myofibrillar myopathy 5; Hypertrophic cardiomyopathy 26. Last evaluated: 2025-12-15. Review status: criteria provided, single submitter. Criteria: Invitae Variant Classification Sherloc (09022015). Collection method: clinical testing. Allele origin: germline.

GeneDx
Classification: Uncertain significance. Last evaluated: 2025-06-13. Review status: criteria provided, single submitter. Criteria: GeneDx Variant Classification Process June 2021. Collection method: clinical testing. Allele origin: germline.
Comment: In silico analysis supports that this missense variant has a deleterious effect on protein structure/function; Has not been previously published as pathogenic or benign to our knowledge

Molecular Diagnostic Laboratory for Inherited Cardiovascular Disease, Montreal Heart Institute
Classification: Uncertain significance for Cardiovascular phenotype. Last evaluated: 2025-04-09. Review status: criteria provided, single submitter. Criteria: ACMG Guidelines, 2015. Collection method: clinical testing. Allele origin: germline. Affected: yes.
Comment: PM2, PP3

Blueprint Genetics
Classification: Uncertain significance. Last evaluated: 2024-06-03. Review status: criteria provided, single submitter. Criteria: ACMG Guidelines, 2015. Collection method: clinical testing. Allele origin: germline.

Ambry Genetics
Classification: Uncertain significance for Cardiovascular phenotype. Last evaluated: 2023-11-12. Review status: criteria provided, single submitter. Criteria: Ambry Variant Classification Scheme 2023. Collection method: clinical testing. Allele origin: germline.
Comment: The p.V1435M variant (also known as c.4303G>A), located in coding exon 25 of the FLNC gene, results from a G to A substitution at nucleotide position 4303. The valine at codon 1435 is replaced by methionine, an amino acid with highly similar properties. This amino acid position is highly conserved in available vertebrate species. In addition, this alteration is predicted to be deleterious by in silico analysis. Since supporting evidence is limited at this time, the clinical significance of this alteration remains unclear.

NM_001458.5(FLNC):c.4303G>A (p.Val1435Met)

Gene: FLNC (filamin C; plus strand). Cytogenetic location: 7q32.1.
Variant type: single nucleotide variant.
Coding change: c.4303G>A on transcript NM_001458.5 (MANE Select); coding-DNA position 4303, G replaced by A.
Protein change: p.Val1435Met; replaces valine 1435 with methionine.
Molecular consequence: missense variant.
Genome position (GRCh38, 1-based): chr7:128,847,711, G>A. VCF-style: chr7-128847711-G-A. GRCh37 (hg19) VCF-style: chr7-128487765-G-A.
Other names: c.4303G>A, p.Val1435Met (NM_001127487.2); short protein forms V1435M.
Identifiers: ClinVar variation 472065 (VCV000472065.19), dbSNP rs370643162, ClinGen allele CA4475312.